The following is an entry in ClinVar:

ClinVar aggregate classification (germline): Uncertain significance. Review status: criteria provided, multiple submitters, no conflicts (2 of 4 stars). 2 submissions from 2 submitters: Uncertain significance (2). Last evaluated 2022-06-13.

Conditions:
Primary ciliary dyskinesia. Also called: Ciliary dyskinesia. Identifiers: Orphanet 244, MedGen C0008780, MONDO:0016575, HP:0012265.
Primary ciliary dyskinesia 15. Also called: CILIARY DYSKINESIA, PRIMARY, 15, WITH OR WITHOUT SITUS INVERSUS. Identifiers: Orphanet 244, MedGen C3151137, MONDO:0013435, OMIM 613808.

Allele frequency attached by ClinVar (database versions not stated): gnomAD 0.00001; gnomAD exomes 0.00001 and 0.00003; TOPMed 0.00001; ExAC 0.00003.
gnomAD v4.1: 18 of 1,612,726 alleles (0.0011%); highest among the groups gnomAD compares: Non-Finnish European, 0.0013%; no homozygotes.

Submissions (2):

Labcorp Genetics (formerly Invitae), Labcorp
Classification: Uncertain significance for Primary ciliary dyskinesia. Last evaluated: 2022-06-13. Review status: criteria provided, single submitter. Criteria: Invitae Variant Classification Sherloc (09022015). Collection method: clinical testing. Allele origin: germline.
Comment: This sequence change replaces arginine, which is basic and polar, with cysteine, which is neutral and slightly polar, at codon 509 of the CCDC40 protein (p.Arg509Cys). This variant is present in population databases (rs749901313, gnomAD 0.006%). This variant has not been reported in the literature in individuals affected with CCDC40-related conditions. ClinVar contains an entry for this variant (Variation ID: 854143). Algorithms developed to predict the effect of missense changes on protein structure and function (SIFT, PolyPhen-2, Align-GVGD) all suggest that this variant is likely to be disruptive. In summary, the available evidence is currently insufficient to determine the role of this variant in disease. Therefore, it has been classified as a Variant of Uncertain Significance.

Juno Genomics, Hangzhou Juno Genomics, Inc
Classification: Uncertain significance for Primary ciliary dyskinesia 15. Review status: criteria provided, single submitter. Criteria: ACMG Guidelines, 2015. Collection method: clinical testing. Allele origin: germline.
Comment: Absent from controls (or at extremely low frequency if recessive) in Genome Aggregation Database.

NM_017950.4(CCDC40):c.1525C>T (p.Arg509Cys)

Gene: CCDC40 (coiled-coil domain 40 molecular ruler complex subunit; plus strand). Cytogenetic location: 17q25.3.
Variant type: single nucleotide variant.
Coding change: c.1525C>T on transcript NM_017950.4 (MANE Select); coding-DNA position 1525, C replaced by T.
Protein change: p.Arg509Cys; replaces arginine 509 with cysteine.
Molecular consequence: missense variant.
Genome position (GRCh38, 1-based): chr17:80,065,569, C>T. VCF-style: chr17-80065569-C-T. GRCh37 (hg19) VCF-style: chr17-78039368-C-T.
Other names: c.1525C>T, p.Arg509Cys (NM_001243342.2, NM_001330508.2); short protein forms R509C.
Identifiers: ClinVar variation 854143 (VCV000854143.18), dbSNP rs749901313, ClinGen allele CA8813873.
Genomic context (GRCh38, chr17:80,065,569, plus strand): 5'-AGCGTGGAGAAGAGGCGCATCATGCAGCAATGGGCCAGCAGCCTGGTGGGCATGAAGCAC[C>T]GCGACGAGGCGCACAGGGCGGTGCTGGAGGCGCTCAGGTACTGCAGGGCCACAGGCAGCG-3'
Protein context (NP_060420.2, residues 499-519): WASSLVGMKH[Arg509Cys]DEAHRAVLEA